The following is an entry in ClinVar:

NM_000553.6(WRN):c.3181C>T (p.Leu1061Phe)

Gene: WRN (WRN RecQ like helicase; plus strand). Cytogenetic location: 8p12.
Variant type: single nucleotide variant.
Coding change: c.3181C>T on transcript NM_000553.6 (MANE Select); coding-DNA position 3181, C replaced by T.
Protein change: p.Leu1061Phe; replaces leucine 1061 with phenylalanine.
Molecular consequence: missense variant.
Genome position (GRCh38, 1-based): chr8:31,141,723, C>T. VCF-style: chr8-31141723-C-T. GRCh37 (hg19) VCF-style: chr8-30999239-C-T.
Other names: short protein forms L1061F.
Identifiers: ClinVar variation 2842047 (VCV002842047.3), dbSNP rs1255162714, ClinGen allele CA370923053.

ClinVar aggregate classification (germline): Uncertain significance (1 of 4 stars; one submission).

Conditions:
Werner syndrome (WRN). Identifiers: Orphanet 902, MedGen C0043119, MONDO:0010196, OMIM 277700.

Allele frequency attached by ClinVar (database versions not stated): gnomAD exomes below 0.00001.
gnomAD v4.1: 1 of 1,614,136 alleles (0.000062%); highest among the groups gnomAD compares: Admixed American, 0.0017%; no homozygotes.

Submission:

Labcorp Genetics (formerly Invitae), Labcorp
Classification: Uncertain significance for Werner syndrome. Last evaluated: 2024-04-10. Review status: criteria provided, single submitter. Criteria: Invitae Variant Classification Sherloc (09022015). Collection method: clinical testing. Allele origin: germline.
Comment: This sequence change replaces leucine, which is neutral and non-polar, with phenylalanine, which is neutral and non-polar, at codon 1061 of the WRN protein (p.Leu1061Phe). This variant is present in population databases (no rsID available, gnomAD 0.003%). This variant has not been reported in the literature in individuals affected with WRN-related conditions. An algorithm developed to predict the effect of missense changes on protein structure and function (PolyPhen-2) suggests that this variant is likely to be disruptive. In summary, the available evidence is currently insufficient to determine the role of this variant in disease. Therefore, it has been classified as a Variant of Uncertain Significance.